The following is an entry in ClinVar:

NM_006852.6(TLK2):c.1115A>G (p.Asn372Ser)

Gene: TLK2 (tousled like kinase 2; plus strand). Cytogenetic location: 17q23.2.
Variant type: single nucleotide variant.
Coding change: c.1115A>G on transcript NM_006852.6 (MANE Select); coding-DNA position 1115, A replaced by G.
Protein change: p.Asn372Ser; replaces asparagine 372 with serine.
Molecular consequence: missense variant.
Genome position (GRCh38, 1-based): chr17:62,573,361, A>G. VCF-style: chr17-62573361-A-G. GRCh37 (hg19) VCF-style: chr17-60650722-A-G.
Other names: c.1115A>G, p.Asn372Ser (NM_001284333.3, NM_001375270.1, NM_001375271.1); c.1019A>G, p.Asn340Ser (NM_001284363.1, NM_001375272.1); c.668A>G, p.Asn223Ser (NM_001330418.3, NM_001375273.1); c.1157A>G, p.Asn386Ser (NM_001375269.1); c.830A>G, p.Asn277Ser (NM_001411074.1); short protein forms N223S, N277S, N340S, N372S, N386S.
Identifiers: ClinVar variation 3897265 (VCV003897265.1).

ClinVar aggregate classification (germline): Uncertain significance (1 of 4 stars; one submission).

Submission:

GeneDx
Classification: Uncertain significance. Last evaluated: 2024-10-31. Review status: criteria provided, single submitter. Criteria: GeneDx Variant Classification Process June 2021. Collection method: clinical testing. Allele origin: germline. Affected: yes.
Comment: Not observed at significant frequency in large population cohorts (gnomAD); In silico analysis indicates that this missense variant does not alter protein structure/function; Has not been previously published as pathogenic or benign to our knowledge